The following is an entry in ClinVar:

ClinVar aggregate classification (germline): Likely pathogenic (1 of 4 stars; one submission).

Conditions:
SIN3A-related intellectual disability syndrome due to a point mutation. Also called: WITTEVEEN-KOLK SYNDROME; 15q24 Microdeletion Syndrome. Identifiers: Orphanet 500166, Orphanet 94065, MedGen C4310804, MONDO:0044700, OMIM 613406.

Submission:

Centre for Mendelian Genomics, University Medical Centre Ljubljana
Classification: Likely pathogenic for SIN3A-related intellectual disability syndrome due to a point mutation. Last evaluated: 2019-03-20. Review status: criteria provided, single submitter. Criteria: ACMG Guidelines, 2015. Collection method: clinical testing. Allele origin: unknown. Affected: yes.
Comment: This variant was classified as: Likely pathogenic. The following ACMG criteria were applied in classifying this variant: PVS1,PM2.

NM_001145358.2(SIN3A):c.866C>A (p.Ser289Ter)

Gene: SIN3A (SIN3 transcription regulator family member A; minus strand). Cytogenetic location: 15q24.2.
Variant type: single nucleotide variant.
Coding change: c.866C>A on transcript NM_001145358.2 (MANE Select); coding-DNA position 866, C replaced by A.
Protein change: p.Ser289Ter; replaces serine 289 with a stop codon.
Molecular consequence: nonsense.
Genome position (GRCh38, 1-based): chr15:75,411,634, G>T on the plus strand (C>A on the coding strand, the complement: SIN3A is on the minus strand). VCF-style: chr15-75411634-G-T. GRCh37 (hg19) VCF-style: chr15-75703975-G-T.
Other names: c.866C>A, p.Ser289Ter (NM_001145357.2, NM_015477.3); short protein forms S289*.
Identifiers: ClinVar variation 930683 (VCV000930683.3), dbSNP rs1347764887, ClinGen allele CA393447885.